The following is an entry in ClinVar:

ClinVar aggregate classification (germline): Uncertain significance (1 of 4 stars; one submission).

Conditions:
Inborn genetic diseases. Identifiers: MedGen C0950123, MeSH D030342.

gnomAD v4.1: 7 of 1,612,812 alleles (0.00043%); highest among the groups gnomAD compares: East Asian, 0.0045%; no homozygotes.

Submission:

Ambry Genetics
Classification: Uncertain significance for Inborn genetic diseases. Last evaluated: 2025-09-21. Review status: criteria provided, single submitter. Criteria: Ambry Variant Classification Scheme 2023. Collection method: clinical testing. Allele origin: germline.
Comment: The c.3520A>G (p.K1174E) alteration is located in exon 24 (coding exon 23) of the TRIP12 gene. This alteration results from a A to G substitution at nucleotide position 3520, causing the lysine (K) at amino acid position 1174 to be replaced by a glutamic acid (E). Based on data from gnomAD, the G allele has an overall frequency of <0.001% (1/249942) total alleles studied. The highest observed frequency was 0.001% (1/113330) of European (non-Finnish) alleles. Based on insufficient or conflicting evidence, the clinical significance of this alteration remains unclear.

NM_001348323.3(TRIP12):c.3745A>G (p.Lys1249Glu)

Gene: TRIP12 (thyroid hormone receptor interactor 12; minus strand). Cytogenetic location: 2q36.3.
Variant type: single nucleotide variant.
Coding change: c.3745A>G on transcript NM_001348323.3 (MANE Select); coding-DNA position 3745, A replaced by G.
Protein change: p.Lys1249Glu; replaces lysine 1249 with glutamic acid.
Molecular consequence: missense variant.
Genome position (GRCh38, 1-based): chr2:229,796,662, T>C on the plus strand (A>G on the coding strand, the complement: TRIP12 is on the minus strand). VCF-style: chr2-229796662-T-C. GRCh37 (hg19) VCF-style: chr2-230661378-T-C.
Other names: c.3664A>G, p.Lys1222Glu (NM_001284214.2, NM_001348315.2); c.3619A>G, p.Lys1207Glu (NM_001284215.2, NM_001348316.2, NM_001348317.1 and 1 more transcripts); c.2710A>G, p.Lys904Glu (NM_001284216.2); c.3745A>G, p.Lys1249Glu (NM_001348319.1, NM_001348320.2, NM_001348322.1 and 4 more transcripts); c.3748A>G, p.Lys1250Glu (NM_001348321.1, NM_001348328.1, NM_001348329.2 and 1 more transcripts); c.3538A>G, p.Lys1180Glu (NM_001348331.1); c.3658A>G, p.Lys1220Glu (NM_001348332.1); c.3667A>G, p.Lys1223Glu (NM_001348333.1); and 1 more; short protein forms K1180E, K1249E, K1220E, K1223E, K904E, K1207E, K1250E, K1174E.
Identifiers: ClinVar variation 4633631 (VCV004633631.1).